The following is an entry in ClinVar:

NM_002878.4(RAD51D):c.263+1604T>A

Genes: RAD51D (RAD51 paralog D; minus strand), RAD51L3-RFFL (RAD51L3-RFFL readthrough; minus strand). Cytogenetic location: 17q12.
Variant type: single nucleotide variant.
Coding change: c.263+1604T>A on transcript NM_002878.4 (MANE Select); 1604 bases into the intron after coding-DNA position 263, T replaced by A.
Molecular consequence: intron variant. On other transcripts: missense variant (1).
Genome position (GRCh38, 1-based): chr17:35,116,897, A>T on the plus strand (T>A on the coding strand, the complement: RAD51D is on the minus strand). VCF-style: chr17-35116897-A-T. GRCh37 (hg19) VCF-style: chr17-33443916-A-T.
Other names: c.285T>A, p.Asn95Lys (NM_001142571.2); c.144+2214T>A (NM_133629.3); short protein forms N95K.
Identifiers: ClinVar variation 5027826 (VCV005027826.1).

ClinVar aggregate classification (germline): Uncertain significance (1 of 4 stars; one submission).

Conditions:
Hereditary cancer-predisposing syndrome. Also called: Neoplastic Syndromes, Hereditary; Tumor predisposition; Hereditary neoplastic syndrome; Hereditary Cancer Syndrome. Identifiers: Orphanet 140162, MedGen C0027672, MeSH D009386, MONDO:0015356.

gnomAD v4.1: 3 of 1,596,516 alleles (0.00019%); highest among the groups gnomAD compares: South Asian, 0.0011%; no homozygotes.

Submission:

Ambry Genetics
Classification: Uncertain significance for Hereditary cancer-predisposing syndrome. Last evaluated: 2026-07-06. Review status: criteria provided, single submitter. Criteria: Ambry Variant Classification Scheme 2023. Collection method: clinical testing. Allele origin: germline.
Comment: The p.N95K variant (also known as c.285T>A), located in coding exon 3 of the RAD51D gene, results from a T to A substitution at nucleotide position 285. The asparagine at codon 95 is replaced by lysine, an amino acid with similar properties. This amino acid position is conserved. In addition, this alteration is predicted to be tolerated by in silico analysis. Based on the available evidence, the clinical significance of this variant remains unclear.